The following is an entry in ClinVar:

NM_000170.3(GLDC):c.2725G>T (p.Glu909Ter)

Gene: GLDC (glycine decarboxylase; minus strand). Cytogenetic location: 9p24.1.
Variant type: single nucleotide variant.
Coding change: c.2725G>T on transcript NM_000170.3 (MANE Select); coding-DNA position 2725, G replaced by T.
Protein change: p.Glu909Ter; replaces glutamic acid 909 with a stop codon.
Molecular consequence: nonsense.
Genome position (GRCh38, 1-based): chr9:6,536,177, C>A on the plus strand (G>T on the coding strand, the complement: GLDC is on the minus strand). VCF-style: chr9-6536177-C-A. GRCh37 (hg19) VCF-style: chr9-6536177-C-A.
Other names: short protein forms E909*.
Identifiers: ClinVar variation 983746 (VCV000983746.3), dbSNP rs1817123754, ClinGen allele CA372882799.

ClinVar aggregate classification (germline): Likely pathogenic (1 of 4 stars; one submission).

Conditions:
Glycine encephalopathy. Also called: Non-ketotic hyperglycinemia; Nonketotic hyperglycinemia. Identifiers: Orphanet 407, MedGen C0751748, MONDO:0011612, HP:0008288.

Submission:

Myriad Genetics, Inc.
Classification: Likely pathogenic for Glycine encephalopathy 1. Last evaluated: 2019-02-25. Review status: criteria provided, single submitter. Criteria: Myriad Women's Health Autosomal Recessive and X-Linked Classification Criteria (2019). Collection method: clinical testing. Allele origin: unknown.
Comment: NM_000170.2(GLDC):c.2725G>T(E909*) is expected to be pathogenic in the context of GLDC-related glycine encephalopathy. This variant is predicted to lead to an abnormal or absent protein product due to the creation of a premature termination codon in GLDC, a gene where loss-of-function variants are known to be pathogenic. Please note: this variant was assessed in the context of healthy population screening.